The following is an entry in ClinVar:

NM_015512.5(DNAH1):c.4231G>A (p.Asp1411Asn)

Gene: DNAH1 (dynein axonemal heavy chain 1; plus strand). Cytogenetic location: 3p21.1.
Variant type: single nucleotide variant.
Coding change: c.4231G>A on transcript NM_015512.5 (MANE Select); coding-DNA position 4231, G replaced by A.
Protein change: p.Asp1411Asn; replaces aspartic acid 1411 with asparagine.
Molecular consequence: missense variant.
Genome position (GRCh38, 1-based): chr3:52,358,702, G>A. VCF-style: chr3-52358702-G-A. GRCh37 (hg19) VCF-style: chr3-52392718-G-A.
Other names: short protein forms D1411N.
Identifiers: ClinVar variation 664278 (VCV000664278.6), dbSNP rs373438684, ClinGen allele CA2433846.

ClinVar aggregate classification (germline): Uncertain significance (1 of 4 stars; one submission).

Conditions:
Spermatogenic failure 18. Identifiers: MedGen C4539783, MONDO:0054615, OMIM 617576.
Ciliary dyskinesia, primary, 37 (CILD37). Also called: CILIARY DYSKINESIA, PRIMARY, 37, WITH OR WITHOUT SITUS INVERSUS. Identifiers: MedGen C4539798, MONDO:0033204, OMIM 617577.

Allele frequency attached by ClinVar (database versions not stated): gnomAD exomes 0.00001 and 0.00002; ExAC 0.00002; ESP Exome Variant Server 0.00008.
gnomAD v4.1: 8 of 1,612,954 alleles (0.0005%); highest among the groups gnomAD compares: Middle Eastern, 0.033%; no homozygotes.

Submission:

Labcorp Genetics (formerly Invitae), Labcorp
Classification: Uncertain significance for Ciliary dyskinesia, primary, 37; Spermatogenic failure 18. Last evaluated: 2020-05-21. Review status: criteria provided, single submitter. Criteria: Invitae Variant Classification Sherloc (09022015). Collection method: clinical testing. Allele origin: germline.
Comment: This variant has not been reported in the literature in individuals with DNAH1-related conditions. ClinVar contains an entry for this variant (Variation ID: 664278). Algorithms developed to predict the effect of missense changes on protein structure and function output the following: SIFT: "Deleterious"; PolyPhen-2: "Benign"; Align-GVGD: "Class C0". The asparagine amino acid residue is found in multiple mammalian species, suggesting that this missense change does not adversely affect protein function. These predictions have not been confirmed by published functional studies and their clinical significance is uncertain. In summary, the available evidence is currently insufficient to determine the role of this variant in disease. Therefore, it has been classified as a Variant of Uncertain Significance. This variant is present in population databases (rs373438684, ExAC 0.003%). This sequence change replaces aspartic acid with asparagine at codon 1411 of the DNAH1 protein (p.Asp1411Asn). The aspartic acid residue is highly conserved and there is a small physicochemical difference between aspartic acid and asparagine.